The following is an entry in ClinVar:

NM_022437.3(ABCG8):c.809A>G (p.His270Arg)

Gene: ABCG8 (ATP binding cassette subfamily G member 8; plus strand). Cytogenetic location: 2p21.
Variant type: single nucleotide variant.
Coding change: c.809A>G on transcript NM_022437.3 (MANE Select); coding-DNA position 809, A replaced by G.
Protein change: p.His270Arg; replaces histidine 270 with arginine.
Molecular consequence: missense variant.
Genome position (GRCh38, 1-based): chr2:43,852,713, A>G. VCF-style: chr2-43852713-A-G. GRCh37 (hg19) VCF-style: chr2-44079852-A-G.
Other names: c.809A>G, p.His270Arg (NM_001357321.2); short protein forms H270R.
Identifiers: ClinVar variation 3227793 (VCV003227793.1), dbSNP rs1401452322, ClinGen allele CA346666655.

ClinVar aggregate classification (germline): Uncertain significance (1 of 4 stars; one submission).

Conditions:
Cardiovascular phenotype. Identifiers: MedGen CN230736.

Allele frequency attached by ClinVar (database versions not stated): gnomAD exomes below 0.00001; TOPMed below 0.00001.

Submission:

Ambry Genetics
Classification: Uncertain significance for Cardiovascular phenotype. Last evaluated: 2023-12-21. Review status: criteria provided, single submitter. Criteria: Ambry Variant Classification Scheme 2023. Collection method: clinical testing. Allele origin: germline.
Comment: The p.H270R variant (also known as c.809A>G), located in coding exon 6 of the ABCG8 gene, results from an A to G substitution at nucleotide position 809. The histidine at codon 270 is replaced by arginine, an amino acid with highly similar properties. This amino acid position is conserved. In addition, this alteration is predicted to be deleterious by in silico analysis. Since supporting evidence is limited at this time, the clinical significance of this alteration remains unclear.